The following is an entry in ClinVar:

ClinVar aggregate classification (germline): Uncertain significance (1 of 4 stars; one submission).

Conditions:
ITGA2B-related disorder. Also called: ITGA2B-related condition; ITGA2B-related disorders.

Allele frequency attached by ClinVar (database versions not stated): gnomAD exomes below 0.00001.
gnomAD v4.1: 2 of 1,612,548 alleles (0.00012%); highest among the groups gnomAD compares: East Asian, 0.0022%; no homozygotes.

Submission:

PreventionGenetics, part of Exact Sciences
Classification: Uncertain significance for ITGA2B-related condition. Last evaluated: 2022-12-06. Review status: criteria provided, single submitter. Criteria: ACMG Guidelines, 2015. Collection method: clinical testing. Allele origin: germline.
Comment: The ITGA2B c.602G>C variant is predicted to result in the amino acid substitution p.Gly201Ala. To our knowledge, this variant has not been reported in the literature. However, a different missense variant in the same codon (c.601G>A,p.Gly201Ser) has been reported in the homozygous state in two individuals with Glanzmann thrombasthenia and interpreted as likely pathogenic by ClinGen Platelet Disorders Variant Curation Expert Panel (Nurden et al. 2015. PubMed ID: 25728920). This variant is reported in 0.00089% of alleles in individuals of European (Non-Finnish) descent in gnomAD. Although we suspect that this variant may be pathogenic, at this time, the clinical significance of this variant is uncertain due to the absence of conclusive functional and genetic evidence.

NM_000419.5(ITGA2B):c.602G>C (p.Gly201Ala)

Gene: ITGA2B (integrin subunit alpha 2b; minus strand). Cytogenetic location: 17q21.31.
Variant type: single nucleotide variant.
Coding change: c.602G>C on transcript NM_000419.5 (MANE Select); coding-DNA position 602, G replaced by C.
Protein change: p.Gly201Ala; replaces glycine 201 with alanine.
Molecular consequence: missense variant.
Genome position (GRCh38, 1-based): chr17:44,385,308, C>G on the plus strand (G>C on the coding strand, the complement: ITGA2B is on the minus strand). VCF-style: chr17-44385308-C-G. GRCh37 (hg19) VCF-style: chr17-42462676-C-G.
Other names: short protein forms G201A.
Identifiers: ClinVar variation 2635115 (VCV002635115.1), dbSNP rs1341294025, ClinGen allele CA399805610.